The following is an entry in ClinVar:

NM_145117.5(NAV2):c.4742A>G (p.Asp1581Gly)

Gene: NAV2 (neuron navigator 2; plus strand). Cytogenetic location: 11p15.1.
Variant type: single nucleotide variant.
Coding change: c.4742A>G on transcript NM_145117.5 (MANE Select); coding-DNA position 4742, A replaced by G.
Protein change: p.Asp1581Gly; replaces aspartic acid 1581 with glycine.
Molecular consequence: missense variant.
Genome position (GRCh38, 1-based): chr11:20,055,868, A>G. VCF-style: chr11-20055868-A-G. GRCh37 (hg19) VCF-style: chr11-20077414-A-G.
Other names: c.4550A>G, p.Asp1517Gly (NM_001111018.2); c.1934A>G, p.Asp645Gly (NM_001111019.3); c.4811A>G, p.Asp1604Gly (NM_001244963.2); c.4742A>G, p.Asp1581Gly (NM_182964.6); short protein forms D1517G, D1581G, D1604G, D645G.
Identifiers: ClinVar variation 2635428 (VCV002635428.1), dbSNP rs1465993652, ClinGen allele CA379914612.
Genomic context (GRCh38, chr11:20,055,868, plus strand): 5'-CGACCATGCTGAGGACTCACAGCCTCTCCAATGCTGATGGGCAGTATGATCCATACACTG[A>G]CAGCCGCTTCCGGAATAGCTCCATGTCCCTGGATGAGAAGAGCAGAACCATGAGCCGTTC-3'
Protein context (NP_660093.2, residues 1571-1591): NADGQYDPYT[Asp1581Gly]SRFRNSSMSL

ClinVar aggregate classification (germline): Uncertain significance (1 of 4 stars; one submission).

Conditions:
NAV2-related disorder. Also called: NAV2-related condition.

gnomAD v4.1: 2 of 1,614,216 alleles (0.00012%); highest among the groups gnomAD compares: Non-Finnish European, 0.00017%; no homozygotes.

Submission:

PreventionGenetics, part of Exact Sciences
Classification: Uncertain significance for NAV2-related condition. Last evaluated: 2022-12-08. Review status: criteria provided, single submitter. Criteria: ACMG Guidelines, 2015. Collection method: clinical testing. Allele origin: germline.
Comment: The NAV2 c.4811A>G variant is predicted to result in the amino acid substitution p.Asp1604Gly. To our knowledge, this variant has not been reported in the literature or in a large population database, indicating this variant is rare. At this time, the clinical significance of this variant is uncertain due to the absence of conclusive functional and genetic evidence.